The following is an entry in ClinVar:

ClinVar aggregate classification (germline): Uncertain significance (1 of 4 stars; one submission).

Conditions:
Mitochondrial disease. Also called: Mitochondrial disorders; Mitochondrial disorder. Identifiers: Orphanet 68380, MedGen C0751651, MeSH D028361, MONDO:0044970.

Submission:

Genomenon, Inc
Classification: Uncertain significance for Mitochondrial disease. Last evaluated: 2025-11-24. Review status: criteria provided, single submitter. Criteria: Genomenon Sequence Variant Interpretation Standards - Updated. Collection method: curation. Allele origin: germline. Affected: yes.
Comment: TK2 p.Ser162Trp (c.485C>G) is a missense variant that changes the amino acid at residue 162 from Serine to Tryptophan. This variant has been observed in a proband affected with mitochondrial disease in the compound heterozygous state (29735374). This variant is not present at a significant frequency in gnomAD. In conclusion, we classify TK2 p.Ser162Trp (c.485C>G) as a variant of uncertain significance.

Literature cited by the submitters: PubMed 29735374.

NM_004614.5(TK2):c.485C>G (p.Ser162Trp)

Gene: TK2 (thymidine kinase 2; minus strand). Cytogenetic location: 16q21.
Variant type: single nucleotide variant.
Coding change: c.485C>G on transcript NM_004614.5 (MANE Select); coding-DNA position 485, C replaced by G.
Protein change: p.Ser162Trp; replaces serine 162 with tryptophan.
Molecular consequence: missense variant. On other transcripts: non-coding transcript variant (1), intron variant (1).
Genome position (GRCh38, 1-based): chr16:66,517,842, G>C on the plus strand (C>G on the coding strand, the complement: TK2 is on the minus strand). VCF-style: chr16-66517842-G-C. GRCh37 (hg19) VCF-style: chr16-66551745-G-C.
Other names: c.392C>G, p.Ser131Trp (NM_001172643.1); c.410C>G, p.Ser137Trp (NM_001172644.2); c.431C>G, p.Ser144Trp (NM_001172645.2); c.338C>G, p.Ser113Trp (NM_001271934.2); c.194C>G, p.Ser65Trp (NM_001272050.2); c.357-4031C>G (NM_001271935.1); short protein forms S113W, S131W, S137W, S144W, S162W, S65W.
Identifiers: ClinVar variation 3778860 (VCV003778860.2).